The following is an entry in ClinVar:

NM_004380.3(CREBBP):c.4082T>C (p.Val1361Ala)

Gene: CREBBP (CREB binding lysine acetyltransferase; minus strand). Cytogenetic location: 16p13.3.
Variant type: single nucleotide variant.
Coding change: c.4082T>C on transcript NM_004380.3 (MANE Select); coding-DNA position 4082, T replaced by C.
Protein change: p.Val1361Ala; replaces valine 1361 with alanine.
Molecular consequence: missense variant.
Genome position (GRCh38, 1-based): chr16:3,740,450, A>G on the plus strand (T>C on the coding strand, the complement: CREBBP is on the minus strand). VCF-style: chr16-3740450-A-G. GRCh37 (hg19) VCF-style: chr16-3790451-A-G.
Other names: c.3968T>C, p.Val1323Ala (NM_001079846.1); short protein forms V1323A, V1361A.
Identifiers: ClinVar variation 4850037 (VCV004850037.1).

ClinVar aggregate classification (germline): Likely pathogenic (1 of 4 stars; one submission).

Conditions:
Rubinstein-Taybi syndrome due to CREBBP mutations (RSTS1). Also called: RUBINSTEIN-TAYBI SYNDROME 1, INCOMPLETE; BROAD THUMBS AND GREAT TOES, CHARACTERISTIC FACIES, AND IMPAIRED INTELLECTUAL DEVELOPMENT; RUBINSTEIN SYNDROME; CREBBP-Related Rubinstein-Taybi Syndrome; BROAD THUMB-HALLUX SYNDROME; Rubinstein-Taybi syndrome 1. Identifiers: Orphanet 353277, Orphanet 783, MedGen C4551859, MONDO:0008393, OMIM 180849.

Submission:

Variantyx, Inc.
Classification: Likely pathogenic for Rubinstein-Taybi syndrome due to CREBBP mutations. Last evaluated: 2025-06-16. Review status: criteria provided, single submitter. Criteria: Variantyx Assertion Criteria 2022. Collection method: clinical testing. Allele origin: de novo. Inheritance: Autosomal dominant inheritance. Affected: yes.
Comment: This is a nonsynonymous variant in the CREBBP gene (OMIM: 600140). Pathogenic variants in this gene have been associated with autosomal dominant Rubinstein-Taybi syndrome 1. This variant lies within the HAT domain, which is a known critical domain of the CREBBP protein (PMID: 16868563, 25388907, 31566936) (PM1). Multiple computational algorithms predict a deleterious effect for this variant (REVEL score: 0.948) (PP3). This variant is absent from control populations (PM2). Based on the current evidence, this variant is classified as likely pathogenic for autosomal dominant Rubinstein-Taybi syndrome 1.

Literature cited by the submitters: PubMed 6868563; PubMed 25388907; PubMed 31566936.